The following is an entry in ClinVar:

ClinVar aggregate classification (germline): Uncertain significance. Review status: criteria provided, multiple submitters, no conflicts (2 of 4 stars). 5 submissions from 5 submitters: Uncertain significance (5). Last evaluated 2025-08-06.

Conditions:
LARGE1-related disorder. Also called: LARGE1-related condition.
Muscular dystrophy-dystroglycanopathy type B6 (MDDGB6). Also called: MUSCULAR DYSTROPHY-DYSTROGLYCANOPATHY (CONGENITAL WITH IMPAIRED INTELLECTUAL DEVELOPMENT), TYPE B, 6; MUSCULAR DYSTROPHY, CONGENITAL, LARGE-RELATED; MUSCULAR DYSTROPHY, CONGENITAL, TYPE 1D. Identifiers: MedGen C1837229, MONDO:0012138, OMIM 608840.

Allele frequency attached by ClinVar (database versions not stated): TOPMed 0.00011; 1000 Genomes Project 0.00040; 1000 Genomes Project 30x 0.00047.
gnomAD v4.1: 65 of 1,614,270 alleles (0.004%); highest among the groups gnomAD compares: Admixed American, 0.088%; no homozygotes.

Submissions (5):

PreventionGenetics, part of Exact Sciences
Classification: Uncertain significance for LARGE1-related condition. Last evaluated: 2025-08-06. Review status: criteria provided, single submitter. Criteria: ACMG Guidelines, 2015. Collection method: clinical testing. Allele origin: germline.
Comment: The LARGE1 c.1656G>C variant is predicted to result in the amino acid substitution p.Lys552Asn. To our knowledge, this variant has not been reported in the literature. This variant is reported in 0.017% of alleles in individuals of Latino descent in gnomAD. At this time, the clinical significance of this variant is uncertain due to the absence of conclusive functional and genetic evidence.

Labcorp Genetics (formerly Invitae), Labcorp
Classification: Uncertain significance for Muscular dystrophy-dystroglycanopathy type B6. Last evaluated: 2022-10-19. Review status: criteria provided, single submitter. Criteria: Invitae Variant Classification Sherloc (09022015). Collection method: clinical testing. Allele origin: germline.
Comment: This sequence change replaces lysine, which is basic and polar, with asparagine, which is neutral and polar, at codon 552 of the LARGE1 protein (p.Lys552Asn). This variant is present in population databases (rs138573955, gnomAD 0.02%). This variant has not been reported in the literature in individuals affected with LARGE1-related conditions. ClinVar contains an entry for this variant (Variation ID: 586122). Advanced modeling of protein sequence and biophysical properties (such as structural, functional, and spatial information, amino acid conservation, physicochemical variation, residue mobility, and thermodynamic stability) performed at Invitae indicates that this missense variant is not expected to disrupt LARGE1 protein function. In summary, the available evidence is currently insufficient to determine the role of this variant in disease. Therefore, it has been classified as a Variant of Uncertain Significance.

GeneDx
Classification: Uncertain significance. Last evaluated: 2021-09-28. Review status: criteria provided, single submitter. Criteria: GeneDx Variant Classification Process June 2021. Collection method: clinical testing. Allele origin: germline. Affected: yes.
Comment: In silico analysis supports that this missense variant does not alter protein structure/function; Has not been previously published as pathogenic or benign to our knowledge

Revvity Omics, Revvity
Classification: Uncertain significance. Last evaluated: 2021-03-29. Review status: criteria provided, single submitter. Criteria: ACMG Guidelines, 2015. Collection method: clinical testing. Allele origin: germline.

Athena Diagnostics
Classification: Uncertain significance. Last evaluated: 2018-06-06. Review status: criteria provided, single submitter. Criteria: Athena Diagnostics Criteria. Collection method: clinical testing. Allele origin: germline.

NM_133642.5(LARGE1):c.1656G>C (p.Lys552Asn)

Gene: LARGE1 (LARGE xylosyl- and glucuronyltransferase 1; minus strand). Cytogenetic location: 22q12.3.
Variant type: single nucleotide variant.
Coding change: c.1656G>C on transcript NM_133642.5 (MANE Select); coding-DNA position 1656, G replaced by C.
Protein change: p.Lys552Asn; replaces lysine 552 with asparagine.
Molecular consequence: missense variant.
Genome position (GRCh38, 1-based): chr22:33,304,303, C>G on the plus strand (G>C on the coding strand, the complement: LARGE1 is on the minus strand). VCF-style: chr22-33304303-C-G. GRCh37 (hg19) VCF-style: chr22-33700289-C-G.
Other names: c.1656G>C (NM_004737.6, NM_004737.5); c.1656G>C, p.Lys552Asn (NM_001362949.2, NM_001362951.2, NM_001362953.2 and 6 more transcripts); c.1500G>C, p.Lys500Asn (NM_001378629.1); c.1053G>C, p.Lys351Asn (NM_001378630.1); c.897G>C, p.Lys299Asn (NM_001378631.1); short protein forms K552N, K299N, K351N, K500N.
Identifiers: ClinVar variation 586122 (VCV000586122.12), dbSNP rs138573955, ClinGen allele CA10202690.